The following is an entry in ClinVar:

NM_000051.4(ATM):c.1608-8T>C

Gene: ATM (ATM serine/threonine kinase; plus strand). Cytogenetic location: 11q22.3.
Variant type: single nucleotide variant.
Coding change: c.1608-8T>C on transcript NM_000051.4 (MANE Select); 8 bases into the intron before coding-DNA position 1608, T replaced by C.
Molecular consequence: intron variant.
Genome position (GRCh38, 1-based): chr11:108,251,829, T>C. VCF-style: chr11-108251829-T-C. GRCh37 (hg19) VCF-style: chr11-108122556-T-C.
Other names: c.1608-8T>C (NM_001351834.2).
Identifiers: ClinVar variation 631434 (VCV000631434.17), dbSNP rs201110707, ClinGen allele CA6264851.

ClinVar aggregate classification (germline): Likely benign. Review status: criteria provided, multiple submitters, no conflicts (2 of 4 stars). 4 submissions from 4 submitters: Likely benign (4). Last evaluated 2025-05-19.

Conditions:
Ataxia-telangiectasia syndrome (AT). Also called: Ataxia-telangiectasia, complementation group D; AT, COMPLEMENTATION GROUP C; Ataxia-telangiectasia; ATAXIA-TELANGIECTASIA, COMPLEMENTATION GROUP A; ATAXIA-TELANGIECTASIA, FRESNO VARIANT; LOUIS-BAR SYNDROME. Identifiers: Orphanet 100, MedGen C0004135, MONDO:0008840, OMIM 208900.
Hereditary cancer-predisposing syndrome. Also called: Hereditary Cancer Syndrome; Neoplastic Syndromes, Hereditary; Tumor predisposition; Hereditary neoplastic syndrome. Identifiers: Orphanet 140162, MedGen C0027672, MeSH D009386, MONDO:0015356.
Familial cancer of breast. Also called: BREAST CANCER, FAMILIAL; hereditary breast carcinoma; Hereditary breast cancer. Identifiers: Orphanet 227535, MedGen C0346153, MONDO:0016419, OMIM 114480. Disease mechanism: loss of function.

Allele frequency attached by ClinVar (database versions not stated): gnomAD exomes 0.00001 and 0.00003; ExAC 0.00002; gnomAD 0.00002; 1000 Genomes Project 30x 0.00047; 1000 Genomes Project 0.00060.
gnomAD v4.1: 21 of 1,613,724 alleles (0.0013%); highest among the groups gnomAD compares: East Asian, 0.047%; no homozygotes.

Submissions (4):

Labcorp Genetics (formerly Invitae), Labcorp
Classification: Likely benign for Ataxia-telangiectasia syndrome. Last evaluated: 2025-05-19. Review status: criteria provided, single submitter. Criteria: Invitae Variant Classification Sherloc (09022015). Collection method: clinical testing. Allele origin: germline.

Women's Health and Genetics/Laboratory Corporation of America, LabCorp
Classification: Likely benign. Last evaluated: 2025-01-14. Review status: criteria provided, single submitter. Criteria: LabCorp Variant Classification Summary - May 2015. Collection method: clinical testing. Allele origin: germline.
Comment: Variant summary: ATM c.1608-8T>C alters a conserved nucleotide located close to a canonical splice site and therefore could affect mRNA splicing, leading to a significantly altered protein sequence. 4/4 computational tools predict no significant impact on normal splicing. However, these predictions have yet to be confirmed by functional studies. The variant allele was found at a frequency of 4.6e-05 in 263294 control chromosomes, predominantly at a frequency of 0.00011 within the East Asian subpopulation in the gnomAD database. This frequency is equal to the estimated maximal expected allele frequency of a pathogenic variant in ATM causing Breast Cancer (0.001), suggesting this may be a benign polymorphism found primarily in Japanese subpopulation. To our knowledge, no occurrence of c.1608-8T>C in individuals affected with breast cancer and no experimental evidence demonstrating its impact on protein function have been reported. At-least one co-occurrence with another pathogenic variant have been observed at our laboratory (BRCA1 c.1066C>T, p.Gln356X), providing supporting evidence for a benign role. ClinVar contains an entry for this variant (Variation ID: 631434). Based on the evidence outlined above, the variant was classified as likely benign.

Myriad Genetics, Inc.
Classification: Likely benign for Familial cancer of breast. Last evaluated: 2024-04-30. Review status: criteria provided, single submitter. Criteria: Myriad Autosomal Dominant, Autosomal Recessive and X-Linked Classification Criteria (2023). Collection method: clinical testing. Allele origin: unknown.
Comment: This variant is considered likely benign. This variant is intronic and is not expected to impact mRNA splicing.

Color Diagnostics, LLC DBA Color Health
Classification: Likely benign for Hereditary cancer-predisposing syndrome. Last evaluated: 2018-01-19. Review status: criteria provided, single submitter. Criteria: ACMG Guidelines, 2015. Collection method: clinical testing. Allele origin: germline.